The following is an entry in ClinVar:

ClinVar aggregate classification (germline): Uncertain significance. Review status: criteria provided, multiple submitters, no conflicts (2 of 4 stars). 2 submissions from 2 submitters: Uncertain significance (2). Last evaluated 2024-10-23.

Conditions:
Biotin-responsive basal ganglia disease (BTBGD). Also called: Thiamine Transporter-2 Deficiency; THIAMINE METABOLISM DYSFUNCTION SYNDROME 2 (BIOTIN- AND THIAMINE-RESPONSIVE TYPE); thiamine-responsive encephalopathy; Thiamine metabolism dysfunction syndrome type 2; Thiamine metabolism dysfunction syndrome 2 (biotin- or thiamine-responsive encephalopathy type 2). Identifiers: Orphanet 199348, Orphanet 65284, MedGen C1843807, MONDO:0011841, OMIM 607483.

Allele frequency attached by ClinVar (database versions not stated): gnomAD 0.00001 and 0.00002; gnomAD exomes 0.00001; TOPMed 0.00004; ESP Exome Variant Server 0.00008.
gnomAD v4.1: 19 of 1,614,064 alleles (0.0012%); highest among the groups gnomAD compares: Non-Finnish European, 0.0014%; no homozygotes.

Submissions (2):

GeneDx
Classification: Uncertain significance. Last evaluated: 2024-10-23. Review status: criteria provided, single submitter. Criteria: GeneDx Variant Classification Process June 2021. Collection method: clinical testing. Allele origin: germline. Affected: yes.
Comment: Not observed at significant frequency in large population cohorts (gnomAD); In silico analysis indicates that this missense variant does not alter protein structure/function; Has not been previously published as pathogenic or benign to our knowledge

Labcorp Genetics (formerly Invitae), Labcorp
Classification: Uncertain significance for Biotin-responsive basal ganglia disease. Last evaluated: 2022-03-31. Review status: criteria provided, single submitter. Criteria: Invitae Variant Classification Sherloc (09022015). Collection method: clinical testing. Allele origin: germline.
Comment: This sequence change replaces lysine, which is basic and polar, with asparagine, which is neutral and polar, at codon 246 of the SLC19A3 protein (p.Lys246Asn). This variant is present in population databases (rs369214674, gnomAD 0.003%). This variant has not been reported in the literature in individuals affected with SLC19A3-related conditions. Advanced modeling of protein sequence and biophysical properties (such as structural, functional, and spatial information, amino acid conservation, physicochemical variation, residue mobility, and thermodynamic stability) performed at Invitae indicates that this missense variant is not expected to disrupt SLC19A3 protein function. In summary, the available evidence is currently insufficient to determine the role of this variant in disease. Therefore, it has been classified as a Variant of Uncertain Significance.

NM_025243.4(SLC19A3):c.738G>C (p.Lys246Asn)

Gene: SLC19A3 (solute carrier family 19 member 3; minus strand). Cytogenetic location: 2q36.3.
Variant type: single nucleotide variant.
Coding change: c.738G>C on transcript NM_025243.4 (MANE Select); coding-DNA position 738, G replaced by C.
Protein change: p.Lys246Asn; replaces lysine 246 with asparagine.
Molecular consequence: missense variant.
Genome position (GRCh38, 1-based): chr2:227,698,977, C>G on the plus strand (G>C on the coding strand, the complement: SLC19A3 is on the minus strand). VCF-style: chr2-227698977-C-G. GRCh37 (hg19) VCF-style: chr2-228563693-C-G.
Other names: c.738G>C, p.Lys246Asn (NM_001371411.1, NM_001371412.1); c.726G>C, p.Lys242Asn (NM_001371413.1, NM_001371414.1); c.738G>C (NM_025243.3); short protein forms K242N, K246N.
Identifiers: ClinVar variation 1368488 (VCV001368488.6), dbSNP rs369214674, ClinGen allele CA66660245.